The following is an entry in ClinVar:

NM_006282.5(STK4):c.1071C>T (p.His357=)

Gene: STK4 (serine/threonine kinase 4; plus strand). Cytogenetic location: 20q13.12.
Variant type: single nucleotide variant.
Coding change: c.1071C>T on transcript NM_006282.5 (MANE Select); coding-DNA position 1071, C replaced by T.
Protein change: p.His357=; no amino-acid change (histidine 357 retained).
Molecular consequence: synonymous variant.
Genome position (GRCh38, 1-based): chr20:45,001,277, C>T. VCF-style: chr20-45001277-C-T. GRCh37 (hg19) VCF-style: chr20-43629918-C-T.
Other names: c.1071C>T, p.His357= (NM_001352385.2).
Identifiers: ClinVar variation 1649002 (VCV001649002.33), dbSNP rs375700226, ClinGen allele CA9873972.

ClinVar aggregate classification (germline): Likely benign. Review status: criteria provided, multiple submitters, no conflicts (2 of 4 stars). 3 submissions from 3 submitters: Likely benign (3). Last evaluated 2026-01-09.

Conditions:
Combined immunodeficiency due to STK4 deficiency (IMD110). Also called: STK4 DEFICIENCY; MST1 DEFICIENCY; T-cell immunodeficiency, recurrent infections, and autoimmunity with or without cardiac malformations. Identifiers: Orphanet 314689, MedGen C3553943, MONDO:0013934, OMIM 614868.

Allele frequency attached by ClinVar (database versions not stated): ExAC 0.00003; gnomAD exomes 0.00005; gnomAD 0.00006 and 0.00008; ESP Exome Variant Server 0.00008; TOPMed 0.00011; 1000 Genomes Project 30x 0.00016; 1000 Genomes Project 0.00020.
gnomAD v4.1: 88 of 1,614,016 alleles (0.0055%); highest among the groups gnomAD compares: Admixed American, 0.027%; no homozygotes.

Submissions (3):

Labcorp Genetics (formerly Invitae), Labcorp
Classification: Likely benign for Combined immunodeficiency due to STK4 deficiency. Last evaluated: 2026-01-09. Review status: criteria provided, single submitter. Criteria: Invitae Variant Classification Sherloc (09022015). Collection method: clinical testing. Allele origin: germline.

Blueprint Genetics
Classification: Likely benign. Last evaluated: 2024-10-21. Review status: criteria provided, single submitter. Criteria: ACMG Guidelines, 2015. Collection method: clinical testing. Allele origin: germline.

CeGaT Center for Human Genetics Tuebingen
Classification: Likely benign. Last evaluated: 2023-05-01. Review status: criteria provided, single submitter. Criteria: CeGaT Center For Human Genetics Tuebingen Variant Classification Criteria Version 2. Collection method: clinical testing. Allele origin: germline. Affected: yes. Observed: 1 variant allele.
Comment: STK4: BP4, BP7